The following is an entry in ClinVar:

NM_001098671.2(RASGRP2):c.371+7G>T

Gene: RASGRP2 (RAS guanyl releasing protein 2; minus strand). Cytogenetic location: 11q13.1.
Variant type: single nucleotide variant.
Coding change: c.371+7G>T on transcript NM_001098671.2 (MANE Select); 7 bases into the intron after coding-DNA position 371, G replaced by T.
Molecular consequence: intron variant.
Genome position (GRCh38, 1-based): chr11:64,740,941, C>A on the plus strand (G>T on the coding strand, the complement: RASGRP2 is on the minus strand). VCF-style: chr11-64740941-C-A. GRCh37 (hg19) VCF-style: chr11-64508413-C-A.
Other names: p.?; c.371+7G>T (NM_153819.2, NM_001440690.1, NM_001440698.1 and 12 more transcripts); c.458+7G>T (NM_001440705.1, NM_001440703.1, NM_001440704.1); c.-65+7G>T (NM_001318398.2).
Identifiers: ClinVar variation 498734 (VCV000498734.19), dbSNP rs181901181, ClinGen allele CA6079295.

ClinVar aggregate classification (germline): Conflicting classifications of pathogenicity. Review status: criteria provided, conflicting classifications (1 of 4 stars). 6 submissions from 6 submitters: Uncertain significance (1); Likely benign (4). 1 of the submissions does not count toward it. Last evaluated 2025-12-22.

Conditions:
RASGRP2-related disorder. Also called: RASGRP2-related condition.

Allele frequency attached by ClinVar (database versions not stated): 1000 Genomes Project 30x 0.00016; 1000 Genomes Project 0.00020; gnomAD 0.00045; ESP Exome Variant Server 0.00069; TOPMed 0.00070.
gnomAD v4.1: 1,377 of 1,614,014 alleles (0.085%); highest among the groups gnomAD compares: Non-Finnish European, 0.11%; 1 homozygote.

Submissions (6):

Labcorp Genetics (formerly Invitae), Labcorp
Classification: Likely benign. Last evaluated: 2025-12-22. Review status: criteria provided, single submitter. Criteria: Invitae Variant Classification Sherloc (09022015). Collection method: clinical testing. Allele origin: germline.

Women's Health and Genetics/Laboratory Corporation of America, LabCorp
Classification: Likely benign. Last evaluated: 2025-04-30. Review status: criteria provided, single submitter. Criteria: LabCorp Variant Classification Summary - May 2015. Collection method: clinical testing. Allele origin: germline.

Mayo Clinic Laboratories, Mayo Clinic
Classification: Likely benign. Last evaluated: 2025-04-09. Review status: criteria provided, single submitter. Criteria: ACMG Guidelines, 2015. Collection method: clinical testing. Allele origin: germline. Observed: 1 variant allele.
Comment: BP4, BP7

Blueprint Genetics
Classification: Likely benign. Last evaluated: 2024-07-16. Review status: criteria provided, single submitter. Criteria: ACMG Guidelines, 2015. Collection method: clinical testing. Allele origin: germline.

Eurofins Ntd Llc (ga)
Classification: Uncertain significance. Last evaluated: 2016-12-21. Review status: criteria provided, single submitter. Criteria: EGL Classification Definitions 2015. Collection method: clinical testing. Allele origin: germline. Observed: 1 variant allele, 1 heterozygote.

PreventionGenetics, part of Exact Sciences
Classification: Likely benign for RASGRP2-related condition. Last evaluated: 2024-05-15. Review status: no assertion criteria provided. Collection method: clinical testing. Allele origin: germline. Not counted in ClinVar's aggregate classification.
Comment: This variant is classified as likely benign based on ACMG/AMP sequence variant interpretation guidelines (Richards et al. 2015 PMID: 25741868, with internal and published modifications).